The following is an entry in ClinVar:

ClinVar aggregate classification (germline): Uncertain significance (1 of 4 stars; one submission).

Allele frequency attached by ClinVar (database versions not stated): ExAC 0.00001; gnomAD exomes 0.00001 and 0.00002; gnomAD 0.00003 and 0.00004; TOPMed 0.00005; ESP Exome Variant Server 0.00008.
gnomAD v4.1: 19 of 1,599,010 alleles (0.0012%); highest among the groups gnomAD compares: Admixed American, 0.0052%; no homozygotes.

Submission:

Labcorp Genetics (formerly Invitae), Labcorp
Classification: Uncertain significance. Last evaluated: 2025-12-01. Review status: criteria provided, single submitter. Criteria: Invitae Variant Classification Sherloc (09022015). Collection method: clinical testing. Allele origin: germline.
Comment: This sequence change replaces arginine, which is basic and polar, with tryptophan, which is neutral and slightly polar, at codon 645 of the DLL4 protein (p.Arg645Trp). This variant is present in population databases (rs376834211, gnomAD 0.009%). This variant has not been reported in the literature in individuals affected with DLL4-related conditions. ClinVar contains an entry for this variant (Variation ID: 1495570). Invitae Evidence Modeling of protein sequence and biophysical properties (such as structural, functional, and spatial information, amino acid conservation, physicochemical variation, residue mobility, and thermodynamic stability) indicates that this missense variant is not expected to disrupt DLL4 protein function with a negative predictive value of 80%. In summary, the available evidence is currently insufficient to determine the role of this variant in disease. Therefore, it has been classified as a Variant of Uncertain Significance.

NM_019074.4(DLL4):c.1933C>T (p.Arg645Trp)

Gene: DLL4 (delta like canonical Notch ligand 4; plus strand). Cytogenetic location: 15q15.1.
Variant type: single nucleotide variant.
Coding change: c.1933C>T on transcript NM_019074.4 (MANE Select); coding-DNA position 1933, C replaced by T.
Protein change: p.Arg645Trp; replaces arginine 645 with tryptophan.
Molecular consequence: missense variant.
Genome position (GRCh38, 1-based): chr15:40,936,920, C>T. VCF-style: chr15-40936920-C-T. GRCh37 (hg19) VCF-style: chr15-41229118-C-T.
Other names: short protein forms R645W.
Identifiers: ClinVar variation 1495570 (VCV001495570.8), dbSNP rs376834211, ClinGen allele CA7488024.